The following is an entry in ClinVar:

ClinVar aggregate classification (germline): Uncertain significance (1 of 4 stars; one submission).

Allele frequency attached by ClinVar (database versions not stated): gnomAD exomes below 0.00001.
gnomAD v4.1: 1 of 1,613,956 alleles (0.000062%); highest among the groups gnomAD compares: Non-Finnish European, 0.000085%; no homozygotes.

Submission:

Labcorp Genetics (formerly Invitae), Labcorp
Classification: Uncertain significance. Last evaluated: 2023-09-08. Review status: criteria provided, single submitter. Criteria: Invitae Variant Classification Sherloc (09022015). Collection method: clinical testing. Allele origin: germline.
Comment: In summary, the available evidence is currently insufficient to determine the role of this variant in disease. Therefore, it has been classified as a Variant of Uncertain Significance. An algorithm developed to predict the effect of missense changes on protein structure and function (PolyPhen-2) suggests that this variant is likely to be tolerated. This variant has not been reported in the literature in individuals affected with ARHGEF1-related conditions. This variant is not present in population databases (gnomAD no frequency). This sequence change replaces glutamic acid, which is acidic and polar, with glycine, which is neutral and non-polar, at codon 481 of the ARHGEF1 protein (p.Glu481Gly).

NM_004706.4(ARHGEF1):c.1397A>G (p.Glu466Gly)

Gene: ARHGEF1 (Rho guanine nucleotide exchange factor 1; plus strand). Cytogenetic location: 19q13.2.
Variant type: single nucleotide variant.
Coding change: c.1397A>G on transcript NM_004706.4 (MANE Select); coding-DNA position 1397, A replaced by G.
Protein change: p.Glu466Gly; replaces glutamic acid 466 with glycine.
Molecular consequence: missense variant. On other transcripts: non-coding transcript variant (2).
Genome position (GRCh38, 1-based): chr19:41,902,016, A>G. VCF-style: chr19-41902016-A-G. GRCh37 (hg19) VCF-style: chr19-42406166-A-G.
Other names: c.1565A>G, p.Glu522Gly (NM_001396000.1); c.1298A>G, p.Glu433Gly (NM_001396002.1, NM_001396004.1, NM_198977.2); c.1397A>G, p.Glu466Gly (NM_001396003.1, NM_001396006.1); c.1442A>G, p.Glu481Gly (NM_199002.2); short protein forms E433G, E481G, E522G, E466G.
Identifiers: ClinVar variation 2808028 (VCV002808028.3), dbSNP rs2513881338, ClinGen allele CA406060600.
Genomic context (GRCh38, chr19:41,902,016, plus strand): 5'-TGGCAGAATGCCTGTTCTTCCCCTTGGAGGAGCTGCAGAACATCTTCCCCAGCCTGGACG[A>G]GCTCATCGAGGTGCATTGTGAGTGCAGAGCCAGGGTCCCTCTGTGTACCCCACTGCCCCA-3'
Protein context (NP_004697.2, residues 456-476): ELQNIFPSLD[Glu466Gly]LIEVHSLFLD